The following is an entry in ClinVar:

ClinVar aggregate classification (germline): Uncertain significance (1 of 4 stars; one submission).

Allele frequency attached by ClinVar (database versions not stated): TOPMed below 0.00001; ExAC 0.00001.

Submission:

Labcorp Genetics (formerly Invitae), Labcorp
Classification: Uncertain significance. Last evaluated: 2024-06-03. Review status: criteria provided, single submitter. Criteria: Invitae Variant Classification Sherloc (09022015). Collection method: clinical testing. Allele origin: germline.
Comment: This sequence change falls in intron 9 of the CEP89 gene. It does not directly change the encoded amino acid sequence of the CEP89 protein. This variant is present in population databases (rs765547801, gnomAD 0.006%). This variant has not been reported in the literature in individuals affected with CEP89-related conditions. Algorithms developed to predict the effect of sequence changes on RNA splicing suggest that this variant may disrupt the consensus splice site. In summary, the available evidence is currently insufficient to determine the role of this variant in disease. Therefore, it has been classified as a Variant of Uncertain Significance.

NM_032816.5(CEP89):c.1030-12T>C

Gene: CEP89 (centrosomal protein 89; minus strand). Cytogenetic location: 19q13.11.
Variant type: single nucleotide variant.
Coding change: c.1030-12T>C on transcript NM_032816.5 (MANE Select); 12 bases into the intron before coding-DNA position 1030, T replaced by C.
Molecular consequence: intron variant.
Genome position (GRCh38, 1-based): chr19:32,926,996, A>G on the plus strand (T>C on the coding strand, the complement: CEP89 is on the minus strand). VCF-style: chr19-32926996-A-G. GRCh37 (hg19) VCF-style: chr19-33417902-A-G.
Identifiers: ClinVar variation 2781944 (VCV002781944.3), dbSNP rs765547801, ClinGen allele CA9359436.